The following is an entry in ClinVar:

ClinVar aggregate classification (germline): Pathogenic. Review status: criteria provided, multiple submitters, no conflicts (2 of 4 stars). 4 submissions from 4 submitters: Pathogenic (4). Last evaluated 2026-05-27.

Conditions:
KCNH2-related disorder. Also called: KCNH2-related condition; KCNH2-related disorders.
Long QT syndrome (LQTS). Identifiers: MedGen C0023976, MeSH D008133, MONDO:0002442. Disease mechanism: loss of function. Inheritance: Various modes of inheritance.

gnomAD v4.1: 1 of 1,534,424 alleles (0.000065%); highest among the groups gnomAD compares: Non-Finnish European, 0.000087%; no homozygotes.

Submissions (4):

PreventionGenetics, part of Exact Sciences
Classification: Pathogenic for KCNH2-related condition. Last evaluated: 2026-05-27. Review status: criteria provided, single submitter. Criteria: ACMG Guidelines, 2015. Collection method: clinical testing. Allele origin: germline.
Comment: The KCNH2 c.2780G>A variant is predicted to result in premature protein termination (p.Trp927*). This variant has been reported in individuals with long QT syndrome (Table S2, Kapplinger et al. 2009. PubMed ID: 19716085; Crotti et al. 2012. PubMed ID: 23158531). This variant has not been reported in a large population database (gnomAD), indicating this variant is rare. Nonsense variants in KCNH2 are expected to be pathogenic. This variant is interpreted as pathogenic.

Women's Health and Genetics/Laboratory Corporation of America, LabCorp
Classification: Pathogenic for Long QT syndrome. Last evaluated: 2025-09-25. Review status: criteria provided, single submitter. Criteria: LabCorp Variant Classification Summary - May 2015. Collection method: clinical testing. Allele origin: germline.
Comment: Variant summary: KCNH2 c.2780G>A (p.Trp927X) results in a premature termination codon, predicted to cause a truncation of the encoded protein or absence of the protein due to nonsense mediated decay, which are commonly known mechanisms for disease. The variant was absent in 131454 control chromosomes. c.2780G>A has been observed in individuals affected with LONG QT SYNDROME 2 (Kapplinger_2009, Crotti_2012). These data indicate that the variant is very likely to be associated with disease. To our knowledge, no experimental evidence demonstrating an impact on protein function has been reported. The following publications have been ascertained in the context of this evaluation (PMID: 23158531, 19716085). ClinVar contains an entry for this variant (Variation ID: 200499). Based on the evidence outlined above, the variant was classified as pathogenic.

Labcorp Genetics (formerly Invitae), Labcorp
Classification: Pathogenic for Long QT syndrome. Last evaluated: 2025-08-28. Review status: criteria provided, single submitter. Criteria: Invitae Variant Classification Sherloc (09022015). Collection method: clinical testing. Allele origin: germline.
Comment: This sequence change creates a premature translational stop signal (p.Trp927*) in the KCNH2 gene. It is expected to result in an absent or disrupted protein product. Loss-of-function variants in KCNH2 are known to be pathogenic (PMID: 10973849, 19862833). This variant is not present in population databases (gnomAD no frequency). This premature translational stop signal has been observed in individuals with Long QT syndrome (PMID: 19716085, 23158531). ClinVar contains an entry for this variant (Variation ID: 200499). For these reasons, this variant has been classified as Pathogenic.

CeGaT Center for Human Genetics Tuebingen
Classification: Pathogenic. Last evaluated: 2025-02-01. Review status: criteria provided, single submitter. Criteria: CeGaT Center For Human Genetics Tuebingen Variant Classification Criteria Version 2. Collection method: clinical testing. Allele origin: germline. Affected: yes. Observed: 3 variant alleles.
Comment: KCNH2: PVS1, PM2, PS4:Moderate

Literature cited by the submitters: PubMed 19716085 (cited by Women's Health and Genetics/Laboratory Corporation of America, LabCorp and Labcorp Genetics (formerly Invitae), Labcorp); PubMed 23158531 (cited by Women's Health and Genetics/Laboratory Corporation of America, LabCorp and Labcorp Genetics (formerly Invitae), Labcorp); PubMed 10973849 (cited by Labcorp Genetics (formerly Invitae), Labcorp); PubMed 19862833 (cited by Labcorp Genetics (formerly Invitae), Labcorp).

NM_000238.4(KCNH2):c.2780G>A (p.Trp927Ter)

Gene: KCNH2 (potassium voltage-gated channel subfamily H member 2; minus strand). Cytogenetic location: 7q36.1.
Variant type: single nucleotide variant.
Coding change: c.2780G>A on transcript NM_000238.4 (MANE Select); coding-DNA position 2780, G replaced by A.
Protein change: p.Trp927Ter; replaces tryptophan 927 with a stop codon.
Molecular consequence: nonsense.
Genome position (GRCh38, 1-based): chr7:150,947,791, C>T on the plus strand (G>A on the coding strand, the complement: KCNH2 is on the minus strand). VCF-style: chr7-150947791-C-T. GRCh37 (hg19) VCF-style: chr7-150644879-C-T.
Other names: c.1760G>A, p.Trp587Ter (NM_172057.3); short protein forms W587*, W927*.
Identifiers: ClinVar variation 200499 (VCV000200499.36), dbSNP rs794728399, ClinGen allele CA007420.
Genomic context (GRCh38, chr7:150,947,791, plus strand): 5'-CCTGGGCCCTCATCCTCACTGCTCTCAGGGCTGGAGGGGCCACTGGACGGGCTCTCCCCC[C>T]ACGGCCCCCCCGGCCGGCCCCGGCTACTCGGCCCTGCCCCCGCCCGGCCCGGCCCCAAGG-3'